The following is an entry in ClinVar:

ClinVar aggregate classification (germline): Benign/Likely benign. Review status: criteria provided, multiple submitters, no conflicts (2 of 4 stars). 4 submissions from 4 submitters: Benign (2); Likely benign (2). Last evaluated 2026-02-01.

Conditions:
Kabuki syndrome. Also called: NIIKAWA-KUROKI SYNDROME; Kabuki make-up syndrome. Identifiers: Orphanet 2322, MedGen C0796004, MONDO:0016512.

Allele frequency attached by ClinVar (database versions not stated): ESP Exome Variant Server 0.00016; gnomAD 0.00025; TOPMed 0.00033; ExAC 0.00054.
gnomAD v4.1: 342 of 1,593,394 alleles (0.021%); highest among the groups gnomAD compares: Admixed American, 0.0035%; 2 homozygotes.

Submissions (4):

Labcorp Genetics (formerly Invitae), Labcorp
Classification: Benign for Kabuki syndrome. Last evaluated: 2026-02-01. Review status: criteria provided, single submitter. Criteria: Invitae Variant Classification Sherloc (09022015). Collection method: clinical testing. Allele origin: germline.

CeGaT Center for Human Genetics Tuebingen
Classification: Benign. Last evaluated: 2025-01-01. Review status: criteria provided, single submitter. Criteria: CeGaT Center For Human Genetics Tuebingen Variant Classification Criteria Version 2. Collection method: clinical testing. Allele origin: germline. Affected: yes. Observed: 3 variant alleles.
Comment: KMT2D: BP4, BS1, BS2

Blueprint Genetics
Classification: Likely benign. Last evaluated: 2024-11-21. Review status: criteria provided, single submitter. Criteria: ACMG Guidelines, 2015. Collection method: clinical testing. Allele origin: germline.

Athena Diagnostics
Classification: Likely benign. Last evaluated: 2017-01-17. Review status: criteria provided, single submitter. Criteria: Athena Diagnostics Criteria. Collection method: clinical testing. Allele origin: germline.

NM_003482.4(KMT2D):c.682C>G (p.Arg228Gly)

Gene: KMT2D (lysine methyltransferase 2D; minus strand). Cytogenetic location: 12q13.12.
Variant type: single nucleotide variant.
Coding change: c.682C>G on transcript NM_003482.4 (MANE Select); coding-DNA position 682, C replaced by G.
Protein change: p.Arg228Gly; replaces arginine 228 with glycine.
Molecular consequence: missense variant.
Genome position (GRCh38, 1-based): chr12:49,053,633, G>C on the plus strand (C>G on the coding strand, the complement: KMT2D is on the minus strand). VCF-style: chr12-49053633-G-C. GRCh37 (hg19) VCF-style: chr12-49447416-G-C.
Other names: short protein forms R228G.
Identifiers: ClinVar variation 309090 (VCV000309090.34), dbSNP rs201994402, ClinGen allele CA6548672.